The following is an entry in ClinVar:

ClinVar aggregate classification (germline): Uncertain significance (1 of 4 stars; one submission).

gnomAD v4.1: 1 of 1,613,274 alleles (0.000062%); highest among the groups gnomAD compares: Non-Finnish European, 0.000085%; no homozygotes.

Submission:

Laboratory for Molecular Medicine, Mass General Brigham Personalized Medicine
Classification: Uncertain significance. Last evaluated: 2012-07-12. Review status: criteria provided, single submitter. Criteria: LMM Criteria. Collection method: clinical testing. Allele origin: germline. Observed: 1 variant allele.
Comment: Variant classified as Uncertain Significance - Favor Benign. The Arg259Gly varia nt in LDB3 has not been previously reported in the literature and was not identi fied in large and broad populations by the NHLBI Exome Sequencing Project. Computational an alyses (biochemical amino acid properties, conservation, AlignGVGD, PolyPhen2, a nd SIFT) suggest that the Arg259Gly variant may not impact the normal function o f the protein, though these tools are not predictive enough to rule out pathogen icity. The observed low frequency of this variant in the general population is c onsistent with a disease-causing role but insufficient to establish this with co nfidence.

NM_001368067.1(LDB3):c.775C>G (p.Arg259Gly)

Gene: LDB3 (LIM domain binding 3; plus strand). Cytogenetic location: 10q23.2.
Variant type: single nucleotide variant.
Coding change: c.775C>G on transcript NM_001368067.1 (MANE Plus Clinical); coding-DNA position 775, C replaced by G.
Protein change: p.Arg259Gly; replaces arginine 259 with glycine.
Molecular consequence: missense variant. On other transcripts: intron variant (6).
Genome position (GRCh38, 1-based): chr10:86,699,297, C>G. VCF-style: chr10-86699297-C-G. GRCh37 (hg19) VCF-style: chr10-88459054-C-G.
Other names: c.775C>G, p.Arg259Gly (NM_001080116.1, NM_001368068.1); c.916C>G, p.Arg306Gly (NM_001080115.2, NM_001368063.1); c.1120C>G, p.Arg374Gly (NM_001171611.2); c.896+6726C>G (NM_001368064.1, NM_007078.3, NM_001368065.1); c.1100+6726C>G (NM_001171610.2); c.755+6726C>G (NM_001368066.1, NM_001080114.2); short protein forms R259G, R306G, R374G.
Identifiers: ClinVar variation 43885 (VCV000043885.4), dbSNP rs397516560, ClinGen allele CA133090.